The following is an entry in ClinVar:

NM_001035.3(RYR2):c.3274A>G (p.Lys1092Glu)

Gene: RYR2 (ryanodine receptor 2; plus strand). Cytogenetic location: 1q43.
Variant type: single nucleotide variant.
Coding change: c.3274A>G on transcript NM_001035.3 (MANE Select); coding-DNA position 3274, A replaced by G.
Protein change: p.Lys1092Glu; replaces lysine 1092 with glutamic acid.
Molecular consequence: missense variant.
Genome position (GRCh38, 1-based): chr1:237,566,626, A>G. VCF-style: chr1-237566626-A-G. GRCh37 (hg19) VCF-style: chr1-237729926-A-G.
Other names: short protein forms K1092E.
Identifiers: ClinVar variation 2503128 (VCV002503128.1), dbSNP rs2546424616, ClinGen allele CA345398086.
Genomic context (GRCh38, chr1:237,566,626, plus strand): 5'-GCAGCCAGAGCCGAAGTGTGCAGCGGCACCGGGGAAAGGTTCCGAATCTTCCGTGCCGAG[A>G]AGACCTATGCAGTGAAGGCCGGACGGTGGTATTTTGAATTTGAGACGGTCACTGCTGGAG-3'
Protein context (NP_001026.2, residues 1082-1102): GERFRIFRAE[Lys1092Glu]TYAVKAGRWY

ClinVar aggregate classification (germline): Uncertain significance (1 of 4 stars; one submission).

Submission:

GeneDx
Classification: Uncertain significance. Last evaluated: 2022-11-29. Review status: criteria provided, single submitter. Criteria: GeneDx Variant Classification Process June 2021. Collection method: clinical testing. Allele origin: germline. Affected: yes.
Comment: Not observed at significant frequency in large population cohorts (gnomAD); In silico analysis supports that this missense variant does not alter protein structure/function; Has not been previously published as pathogenic or benign to our knowledge